The following is an entry in ClinVar:

ClinVar aggregate classification (germline): Uncertain significance. Review status: criteria provided, multiple submitters, no conflicts (2 of 4 stars). 2 submissions from 2 submitters: Uncertain significance (2). Last evaluated 2025-05-29.

Conditions:
Inborn genetic diseases. Identifiers: MedGen C0950123, MeSH D030342.
Fanconi-Bickel syndrome (FBS). Also called: FANCONI SYNDROME WITH INTESTINAL MALABSORPTION AND GALACTOSE INTOLERANCE; HEPATIC GLYCOGENOSIS WITH AMINO ACIDURIA AND GLUCOSURIA; HEPATIC GLYCOGENOSIS WITH FANCONI NEPHROPATHY; HEPATORENAL GLYCOGENOSIS WITH RENAL FANCONI SYNDROME; Glycogen storage disease due to GLUT2 deficiency; PSEUDO-PHLORIZIN DIABETES. Identifiers: Orphanet 2088, MedGen C3495427, MONDO:0009216, OMIM 227810.

Allele frequency attached by ClinVar (database versions not stated): ExAC 0.00002; gnomAD 0.00002; TOPMed 0.00002.
gnomAD v4.1: 21 of 1,612,600 alleles (0.0013%); highest among the groups gnomAD compares: Non-Finnish European, 0.0018%; no homozygotes.

Submissions (2):

Ambry Genetics
Classification: Uncertain significance for Inborn genetic diseases. Last evaluated: 2025-05-29. Review status: criteria provided, single submitter. Criteria: Ambry Variant Classification Scheme 2023. Collection method: clinical testing. Allele origin: germline.

Labcorp Genetics (formerly Invitae), Labcorp
Classification: Uncertain significance for Fanconi-Bickel syndrome. Last evaluated: 2022-08-13. Review status: criteria provided, single submitter. Criteria: Invitae Variant Classification Sherloc (09022015). Collection method: clinical testing. Allele origin: germline.
Comment: In summary, the available evidence is currently insufficient to determine the role of this variant in disease. Therefore, it has been classified as a Variant of Uncertain Significance. Advanced modeling of protein sequence and biophysical properties (such as structural, functional, and spatial information, amino acid conservation, physicochemical variation, residue mobility, and thermodynamic stability) performed at Invitae indicates that this missense variant is expected to disrupt SLC2A2 protein function. This variant has not been reported in the literature in individuals affected with SLC2A2-related conditions. This variant is present in population databases (rs760061096, gnomAD 0.003%). This sequence change replaces isoleucine, which is neutral and non-polar, with lysine, which is basic and polar, at codon 291 of the SLC2A2 protein (p.Ile291Lys).

NM_000340.2(SLC2A2):c.872T>A (p.Ile291Lys)

Gene: SLC2A2 (solute carrier family 2 member 2; minus strand). Cytogenetic location: 3q26.2.
Variant type: single nucleotide variant.
Coding change: c.872T>A on transcript NM_000340.2 (MANE Select); coding-DNA position 872, T replaced by A.
Protein change: p.Ile291Lys; replaces isoleucine 291 with lysine.
Molecular consequence: missense variant.
Genome position (GRCh38, 1-based): chr3:171,005,376, A>T on the plus strand (T>A on the coding strand, the complement: SLC2A2 is on the minus strand). VCF-style: chr3-171005376-A-T. GRCh37 (hg19) VCF-style: chr3-170723165-A-T.
Other names: c.872T>A (NM_000340.1); c.515T>A, p.Ile172Lys (NM_001278658.2); c.353T>A, p.Ile118Lys (NM_001278659.2); short protein forms I172K, I291K, I118K.
Identifiers: ClinVar variation 2172957 (VCV002172957.5), dbSNP rs760061096, ClinGen allele CA2702558.